The following is an entry in ClinVar:

ClinVar aggregate classification (germline): Uncertain significance (1 of 4 stars; one submission).

Conditions:
Androgen resistance syndrome (AIS). Also called: ANDROGEN RECEPTOR DEFICIENCY; Androgen insensitivity syndrome; Androgen insensitivity, complete; Androgen insensitivity; DIHYDROTESTOSTERONE RECEPTOR DEFICIENCY; TESTICULAR FEMINIZATION SYNDROME. Identifiers: Orphanet 754, Orphanet 99429, MedGen C0039585, MONDO:0019154, OMIM 300068. Disease mechanism: loss of function.
Kennedy disease (SMAX1). Also called: SPINAL AND BULBAR MUSCULAR ATROPHY, X-LINKED 1; KENNEDY SPINAL AND BULBAR MUSCULAR ATROPHY; Spinal and Bulbar Muscular Atrophy. Identifiers: Orphanet 481, MedGen C1839259, MONDO:0010735, OMIM 313200.

Submission:

Labcorp Genetics (formerly Invitae), Labcorp
Classification: Uncertain significance for Kennedy disease; Androgen resistance syndrome. Last evaluated: 2019-08-08. Review status: criteria provided, single submitter. Criteria: Invitae Variant Classification Sherloc (09022015). Collection method: clinical testing. Allele origin: germline.
Comment: Algorithms developed to predict the effect of missense changes on protein structure and function are either unavailable or do not agree on the potential impact of this missense change (SIFT: "Deleterious"; PolyPhen-2: "Probably Damaging"; Align-GVGD: "Class C0"). This variant is not present in population databases (ExAC no frequency). This variant has been observed in an individual affected with complete androgen insensitivity syndrome (PMID: 7641413). In summary, the available evidence is currently insufficient to determine the role of this variant in disease. Therefore, it has been classified as a Variant of Uncertain Significance. This sequence change replaces leucine with valine at codon 881 of the AR protein (p.Leu881Val). The leucine residue is moderately conserved and there is a small physicochemical difference between leucine and valine.

Literature cited by the submitters: PubMed 7641413.

NM_000044.6(AR):c.2641C>G (p.Leu881Val)

Gene: AR (androgen receptor; plus strand). Cytogenetic location: Xq12.
Variant type: single nucleotide variant.
Coding change: c.2641C>G on transcript NM_000044.6 (MANE Select); coding-DNA position 2641, C replaced by G.
Protein change: p.Leu881Val; replaces leucine 881 with valine.
Molecular consequence: missense variant.
Genome position (GRCh38, 1-based): chrX:67,723,719, C>G. VCF-style: chrX-67723719-C-G. GRCh37 (hg19) VCF-style: chrX-66943561-C-G.
Other names: c.1045C>G, p.Leu349Val (NM_001011645.3); short protein forms L349V, L881V.
Identifiers: ClinVar variation 961933 (VCV000961933.9), dbSNP rs755974042, ClinGen allele CA413428224.